The following is an entry in ClinVar:

ClinVar aggregate classification (germline): Uncertain significance. Review status: criteria provided, multiple submitters, no conflicts (2 of 4 stars). 2 submissions from 2 submitters: Uncertain significance (2). Last evaluated 2024-09-02.

Conditions:
Inborn genetic diseases. Identifiers: MedGen C0950123, MeSH D030342.
Amyotrophic lateral sclerosis type 12 (ALS12). Also called: AMYOTROPHIC LATERAL SCLEROSIS 12 WITH OR WITHOUT FRONTOTEMPORAL DEMENTIA. Identifiers: Orphanet 803, MedGen C3150692, MONDO:0013264, OMIM 613435.
Primary open angle glaucoma (POAG). Also called: OPTN-related open angle glaucoma. Identifiers: MedGen C0339573, MONDO:0100553, OMIM 137760.
Glaucoma 1, open angle, E. Identifiers: MedGen C1842026, MONDO:0007665.

Submissions (2):

Ambry Genetics
Classification: Uncertain significance for Inborn genetic diseases. Last evaluated: 2024-09-02. Review status: criteria provided, single submitter. Criteria: Ambry Variant Classification Scheme 2023. Collection method: clinical testing. Allele origin: germline.

Labcorp Genetics (formerly Invitae), Labcorp
Classification: Uncertain significance for Primary open angle glaucoma; Glaucoma 1, open angle, E; Amyotrophic lateral sclerosis type 12. Last evaluated: 2023-08-10. Review status: criteria provided, single submitter. Criteria: Invitae Variant Classification Sherloc (09022015). Collection method: clinical testing. Allele origin: germline.
Comment: In summary, the available evidence is currently insufficient to determine the role of this variant in disease. Therefore, it has been classified as a Variant of Uncertain Significance. Advanced modeling of protein sequence and biophysical properties (such as structural, functional, and spatial information, amino acid conservation, physicochemical variation, residue mobility, and thermodynamic stability) performed at Invitae indicates that this missense variant is not expected to disrupt OPTN protein function. ClinVar contains an entry for this variant (Variation ID: 1409198). This variant has not been reported in the literature in individuals affected with OPTN-related conditions. This variant is present in population databases (no rsID available, gnomAD 0.008%). This sequence change replaces arginine, which is basic and polar, with tryptophan, which is neutral and slightly polar, at codon 548 of the OPTN protein (p.Arg548Trp).

NM_001008212.2(OPTN):c.1642C>T (p.Arg548Trp)

Gene: OPTN (optineurin; plus strand). Cytogenetic location: 10p13.
Variant type: single nucleotide variant.
Coding change: c.1642C>T on transcript NM_001008212.2 (MANE Select); coding-DNA position 1642, C replaced by T.
Protein change: p.Arg548Trp; replaces arginine 548 with tryptophan.
Molecular consequence: missense variant.
Genome position (GRCh38, 1-based): chr10:13,136,774, C>T. VCF-style: chr10-13136774-C-T. GRCh37 (hg19) VCF-style: chr10-13178774-C-T.
Other names: c.1642C>T, p.Arg548Trp (NM_001008211.1, NM_001008213.1, NM_021980.4); short protein forms R548W.
Identifiers: ClinVar variation 1409198 (VCV001409198.7), dbSNP rs767360238, ClinGen allele CA203272163.